The following is an entry in ClinVar:

ClinVar aggregate classification (germline): Uncertain significance. Review status: criteria provided, multiple submitters, no conflicts (2 of 4 stars). 2 submissions from 2 submitters: Uncertain significance (2). Last evaluated 2024-12-22.

Conditions:
Pitt-Hopkins-like syndrome 2 (PTHSL2). Identifiers: Orphanet 221150, Orphanet 600663, MedGen C3280479, MONDO:0013690, OMIM 614325.

Allele frequency attached by ClinVar (database versions not stated): gnomAD exomes below 0.00001; TOPMed below 0.00001.
gnomAD v4.1: 1 of 1,613,874 alleles (0.000062%); highest among the groups gnomAD compares: Admixed American, 0.0017%; no homozygotes.

Submissions (2):

Labcorp Genetics (formerly Invitae), Labcorp
Classification: Uncertain significance for Pitt-Hopkins-like syndrome 2. Last evaluated: 2024-12-22. Review status: criteria provided, single submitter. Criteria: Invitae Variant Classification Sherloc (09022015). Collection method: clinical testing. Allele origin: germline.
Comment: This sequence change replaces serine, which is neutral and polar, with arginine, which is basic and polar, at codon 911 of the NRXN1 protein (p.Ser911Arg). This variant is not present in population databases (gnomAD no frequency). This variant has not been reported in the literature in individuals affected with NRXN1-related conditions. ClinVar contains an entry for this variant (Variation ID: 1315762). An algorithm developed to predict the effect of missense changes on protein structure and function (PolyPhen-2) suggests that this variant¬†is likely to be tolerated. In summary, the available evidence is currently insufficient to determine the role of this variant in disease. Therefore, it has been classified as a Variant of Uncertain Significance.

GeneDx
Classification: Uncertain significance. Last evaluated: 2021-01-11. Review status: criteria provided, single submitter. Criteria: GeneDx Variant Classification Process June 2021. Collection method: clinical testing. Allele origin: germline. Affected: yes.
Comment: Not observed in large population cohorts (Lek et al., 2016); In silico analysis, which includes protein predictors and evolutionary conservation, supports a deleterious effect; Has not been previously published as pathogenic or benign to our knowledge

NM_001330078.2(NRXN1):c.2613C>A (p.Ser871Arg)

Gene: NRXN1 (neurexin 1; minus strand). Cytogenetic location: 2p16.3.
Variant type: single nucleotide variant.
Coding change: c.2613C>A on transcript NM_001330078.2 (MANE Select); coding-DNA position 2613, C replaced by A.
Protein change: p.Ser871Arg; replaces serine 871 with arginine.
Molecular consequence: missense variant.
Genome position (GRCh38, 1-based): chr2:50,497,599, G>T on the plus strand (C>A on the coding strand, the complement: NRXN1 is on the minus strand). VCF-style: chr2-50497599-G-T. GRCh37 (hg19) VCF-style: chr2-50724737-G-T.
Other names: c.2733C>A, p.Ser911Arg (NM_001135659.3); c.2589C>A, p.Ser863Arg (NM_001330077.2, NM_001330082.2); c.2547C>A, p.Ser849Arg (NM_001330083.2, NM_001330084.2); c.2586C>A, p.Ser862Arg (NM_001330085.2); c.2613C>A, p.Ser871Arg (NM_001330086.2, NM_004801.6); c.2502C>A, p.Ser834Arg (NM_001330087.2, NM_001330096.2); c.2532C>A, p.Ser844Arg (NM_001330088.2); c.2610C>A, p.Ser870Arg (NM_001330093.2); and 2 more; short protein forms S834R, S844R, S849R, S854R, S862R, S863R, S867R, S870R.
Identifiers: ClinVar variation 1315762 (VCV001315762.6), dbSNP rs2091710134, ClinGen allele CA346777268.